The following is an entry in ClinVar:

NM_000481.4(AMT):c.982dup (p.Ala328fs)

Gene: AMT (aminomethyltransferase; minus strand). Cytogenetic location: 3p21.31.
Variant type: Duplication.
Coding change: c.982dup on transcript NM_000481.4 (MANE Select); coding-DNA position 982, one base duplicated (G; older notation c.982dupG).
Protein change: p.Ala328fs; shifts the reading frame from alanine 328.
Molecular consequence: frameshift variant. On other transcripts: non-coding transcript variant (1).
Genome position (GRCh38, 1-based): chr3:49,417,869, C duplicated on the plus strand (G on the coding strand, the reverse complement: AMT is on the minus strand); the first of 5 consecutive C bases (chr3:49,417,869-49,417,873); duplicating any one gives the same sequence. VCF-style (leftmost placement, unchanged base first): chr3-49417868-G-GC. GRCh37 (hg19) VCF-style: chr3-49455301-G-GC.
Other names: c.850dup, p.Ala284fs (NM_001164710.2); c.814dup, p.Ala272fs (NM_001164711.2); c.982dup, p.Ala328fs (NM_001164712.2); c.982dupG (NM_000481.3); short protein forms A328fs, A284fs, A272fs.
Identifiers: ClinVar variation 554261 (VCV000554261.6), dbSNP rs1553638266, ClinGen allele CA658823332.

ClinVar aggregate classification (germline): Pathogenic/Likely pathogenic. Review status: criteria provided, multiple submitters, no conflicts (2 of 4 stars). 5 submissions from 5 submitters: Pathogenic (3); Likely pathogenic (1). 1 of the submissions does not count toward it. Last evaluated 2025-11-25.

Conditions:
Glycine encephalopathy 1 (GCE1). Identifiers: MedGen CN376801, MONDO:0958179, OMIM 605899.
Glycine encephalopathy. Also called: Non-ketotic hyperglycinemia; Nonketotic hyperglycinemia. Identifiers: Orphanet 407, MedGen C0751748, MONDO:0011612, HP:0008288.

Submissions (5):

Labcorp Genetics (formerly Invitae), Labcorp
Classification: Pathogenic for Glycine encephalopathy. Last evaluated: 2025-11-25. Review status: criteria provided, single submitter. Criteria: Invitae Variant Classification Sherloc (09022015). Collection method: clinical testing. Allele origin: germline.
Comment: This sequence change creates a premature translational stop signal (p.Ala328Glyfs*22) in the AMT gene. While this is not anticipated to result in nonsense mediated decay, it is expected to disrupt the last 76 amino acid(s) of the AMT protein. This variant is not present in population databases (gnomAD no frequency). This premature translational stop signal has been observed in individual(s) with nonketotic hyperglycinemia (PMID: 35646099). ClinVar contains an entry for this variant (Variation ID: 554261). Algorithms developed to predict the effect of sequence changes on RNA splicing suggest that this variant may disrupt the consensus splice site. This variant disrupts a region of the AMT protein in which other variant(s) (p.Tyr369*) have been determined to be pathogenic (PMID: 27362913). This suggests that this is a clinically significant region of the protein, and that variants that disrupt it are likely to be disease-causing. For these reasons, this variant has been classified as Pathogenic.

Natera, Inc.
Classification: Likely pathogenic for Non-ketotic hyperglycinemia. Last evaluated: 2025-07-18. Review status: criteria provided, single submitter. Criteria: Natera Variant Classification Schema (03/2026). Collection method: clinical testing. Allele origin: germline.
Comment: The c.982dupG variant in AMT is a frameshift variant predicted to shift the reading frame beginning at codon 328 and leads to a stop codon 22 codons downstream. This variant is expected to result in nonsense mediated decay, truncation, or a dysfunctional protein product. This variant is rare in the general population with a frequency below the threshold expected for the associated phenotype(s). This variant has been observed in one or more individuals affected with the associated recessive disease, as either homozygous or compound heterozygous with a second variant (PMID: 33101984, 35646099). Given the available evidence, this variant is classified as Likely Pathogenic.

Baylor Genetics
Classification: Pathogenic for Glycine encephalopathy 1. Last evaluated: 2022-09-24. Review status: criteria provided, single submitter. Criteria: ACMG Guidelines, 2015. Collection method: clinical testing. Allele origin: unknown.

Department of Genetics, Sultan Qaboos University Hospital
Classification: Pathogenic for Glycine encephalopathy 1. Last evaluated: 2017-12-30. Review status: criteria provided, single submitter. Criteria: ACMG Guidelines, 2015. Collection method: curation. Allele origin: unknown. Affected: yes.

Counsyl
Classification: Likely pathogenic for Glycine encephalopathy 1. Last evaluated: 2017-10-10. Review status: no assertion criteria provided. Collection method: clinical testing. Allele origin: unknown. Not counted in ClinVar's aggregate classification.

Literature cited by the submitters: PubMed 35646099 (cited by Labcorp Genetics (formerly Invitae), Labcorp and Natera, Inc.); PubMed 27362913 (cited by Labcorp Genetics (formerly Invitae), Labcorp and Counsyl); PubMed 33101984 (cited by Natera, Inc.).